The following is an entry in ClinVar:

ClinVar aggregate classification (germline): Uncertain significance (1 of 4 stars; one submission).

Submission:

GeneDx
Classification: Uncertain significance. Last evaluated: 2025-05-02. Review status: criteria provided, single submitter. Criteria: GeneDx Variant Classification Process June 2021. Collection method: clinical testing. Allele origin: germline. Affected: yes.
Comment: Not observed at significant frequency in large population cohorts (gnomAD); In silico analysis suggests that this missense variant does not alter protein structure/function; Has not been previously published as pathogenic or benign to our knowledge

NM_001145809.2(MYH14):c.3593A>G (p.Gln1198Arg)

Gene: MYH14 (myosin heavy chain 14; plus strand). Cytogenetic location: 19q13.33.
Variant type: single nucleotide variant.
Coding change: c.3593A>G on transcript NM_001145809.2 (MANE Select); coding-DNA position 3593, A replaced by G.
Protein change: p.Gln1198Arg; replaces glutamine 1198 with arginine.
Molecular consequence: missense variant.
Genome position (GRCh38, 1-based): chr19:50,276,116, A>G. VCF-style: chr19-50276116-A-G. GRCh37 (hg19) VCF-style: chr19-50779373-A-G.
Other names: c.3494A>G, p.Gln1165Arg (NM_001077186.2); c.3470A>G, p.Gln1157Arg (NM_024729.4); short protein forms Q1157R, Q1165R, Q1198R.
Identifiers: ClinVar variation 4527724 (VCV004527724.1).